The following is an entry in ClinVar:

ClinVar aggregate classification (germline): Uncertain significance (1 of 4 stars; one submission).

Conditions:
Neuropathy, hereditary sensory, type 1F. Also called: HSN IF; Hereditary sensory neuropathy type IF. Identifiers: Orphanet 36386, MedGen C3810194, MONDO:0014286, OMIM 615632.

Submission:

Labcorp Genetics (formerly Invitae), Labcorp
Classification: Uncertain significance for Neuropathy, hereditary sensory, type 1F. Last evaluated: 2022-01-15. Review status: criteria provided, single submitter. Criteria: Invitae Variant Classification Sherloc (09022015). Collection method: clinical testing. Allele origin: germline.
Comment: In summary, the available evidence is currently insufficient to determine the role of this variant in disease. Therefore, it has been classified as a Variant of Uncertain Significance. This variant has not been reported in the literature in individuals affected with ATL3-related conditions. This variant is present in population databases (rs778728755, gnomAD 0.01%). This variant, c.156_158dup, results in the insertion of 1 amino acid(s) of the ATL3 protein (p.Gln52_Asp53insGlu), but otherwise preserves the integrity of the reading frame.

NM_015459.5(ATL3):c.156_158dup (p.Gln52_Asp53insGlu)

Gene: ATL3 (atlastin GTPase 3; minus strand). Cytogenetic location: 11q13.1.
Variant type: Duplication.
Coding change: c.156_158dup on transcript NM_015459.5 (MANE Select); coding-DNA positions 156 to 158, 3 bases duplicated (GGA; older notation c.156_158dupGGA).
Protein change: p.Gln52_Asp53insGlu.
Molecular consequence: inframe insertion.
Genome position (GRCh38, 1-based): chr11:63,659,141-63,659,143, TCC duplicated on the plus strand (GGA on the coding strand, the reverse complement: ATL3 is on the minus strand); duplicating any 3 consecutive bases within chr11:63,659,141-63,659,144 gives the same sequence; the c. name uses the placement nearest the transcript's 3' end. VCF-style (leftmost placement, unchanged base first): chr11-63659140-G-GTCC. GRCh37 (hg19) VCF-style: chr11-63426612-G-GTCC.
Other names: c.102_104dup, p.Gln34_Asp35insGlu (NM_001290048.2).
Identifiers: ClinVar variation 1389559 (VCV001389559.6), dbSNP rs778728755, ClinGen allele CA6063869.